The following is an entry in ClinVar:

ClinVar aggregate classification (germline): Conflicting classifications of pathogenicity. Review status: criteria provided, conflicting classifications (1 of 4 stars). 5 submissions from 5 submitters: Likely pathogenic (1); Uncertain significance (3). 1 of the submissions does not count toward it. Last evaluated 2024-07-24.

Conditions:
Glycogen storage disease type III (GSD3). Also called: FORBES DISEASE; Cori disease. Identifiers: Orphanet 366, MedGen C0017922, MONDO:0009291, OMIM 232400.

Allele frequency attached by ClinVar (database versions not stated): gnomAD exomes below 0.00001 and 0.00001; gnomAD 0.00001; TOPMed 0.00001; ExAC 0.00002.
gnomAD v4.1: 7 of 1,613,440 alleles (0.00043%); highest among the groups gnomAD compares: African/African-American, 0.0093%; no homozygotes.

Submissions (5):

Women's Health and Genetics/Laboratory Corporation of America, LabCorp
Classification: Uncertain significance. Last evaluated: 2024-07-24. Review status: criteria provided, single submitter. Criteria: LabCorp Variant Classification Summary - May 2015. Collection method: clinical testing. Allele origin: germline.
Comment: Variant summary: AGL c.2723T>G (p.Leu908Arg) results in a non-conservative amino acid change located in the Glycogen debranching enzyme, central domain (IPR032788) of the encoded protein sequence. Five of five in-silico tools predict a damaging effect of the variant on protein function. The variant allele was found at a frequency of 8e-06 in 251134 control chromosomes. The available data on variant occurrences in the general population are insufficient to allow any conclusion about variant significance. c.2723T>G has been reported in the literature in individuals affected with clinical features of AGL-related conditions (e.g., Wang_2013). However, these report(s) do not provide unequivocal conclusions about association of the variant with Glycogen Storage Disease Type III. To our knowledge, no experimental evidence demonstrating an impact on protein function has been reported. The following publication has been ascertained in the context of this evaluation (PMID: 22899091). ClinVar contains an entry for this variant (Variation ID: 555605). Based on the evidence outlined above, the variant was classified as uncertain significance.

Baylor Genetics
Classification: Likely pathogenic for Glycogen storage disease type III. Last evaluated: 2023-09-17. Review status: criteria provided, single submitter. Criteria: ACMG Guidelines, 2015. Collection method: clinical testing. Allele origin: unknown.

Labcorp Genetics (formerly Invitae), Labcorp
Classification: Uncertain significance for Glycogen storage disease type III. Last evaluated: 2022-09-07. Review status: criteria provided, single submitter. Criteria: Invitae Variant Classification Sherloc (09022015). Collection method: clinical testing. Allele origin: germline.
Comment: This sequence change replaces leucine, which is neutral and non-polar, with arginine, which is basic and polar, at codon 908 of the AGL protein (p.Leu908Arg). This variant is present in population databases (rs772347559, gnomAD 0.01%). This missense change has been observed in individual(s) with clinical features of glycogen storage disease (PMID: 22899091). ClinVar contains an entry for this variant (Variation ID: 555605). Algorithms developed to predict the effect of missense changes on protein structure and function are either unavailable or do not agree on the potential impact of this missense change (SIFT: "Deleterious"; PolyPhen-2: "Probably Damaging"; Align-GVGD: "Class C0"). In summary, the available evidence is currently insufficient to determine the role of this variant in disease. Therefore, it has been classified as a Variant of Uncertain Significance.

Genome-Nilou Lab
Classification: Uncertain significance for Glycogen storage disease type III. Last evaluated: 2021-07-15. Review status: criteria provided, single submitter. Criteria: ACMG Guidelines, 2015. Collection method: clinical testing. Allele origin: germline. Affected: no.

Counsyl
Classification: Uncertain significance for Glycogen storage disease type III. Last evaluated: 2017-12-14. Review status: no assertion criteria provided. Collection method: clinical testing. Allele origin: unknown. Not counted in ClinVar's aggregate classification.

Literature cited by the submitters: PubMed 22899091 (cited by 3 submitters).

NM_000642.3(AGL):c.2723T>G (p.Leu908Arg)

Gene: AGL (amylo-alpha-1,6-glucosidase and 4-alpha-glucanotransferase; plus strand). Cytogenetic location: 1p21.2.
Variant type: single nucleotide variant.
Coding change: c.2723T>G on transcript NM_000642.3 (MANE Select); coding-DNA position 2723, T replaced by G.
Protein change: p.Leu908Arg; replaces leucine 908 with arginine.
Molecular consequence: missense variant.
Genome position (GRCh38, 1-based): chr1:99,888,019, T>G. VCF-style: chr1-99888019-T-G. GRCh37 (hg19) VCF-style: chr1-100353575-T-G.
Other names: c.2723T>G, p.Leu908Arg (NM_000028.3, NM_000643.3, NM_000644.3 and 2 more transcripts); c.2675T>G, p.Leu892Arg (NM_000646.3); c.2522T>G, p.Leu841Arg (NM_001425327.1); c.2519T>G, p.Leu840Arg (NM_001425328.1); c.2384T>G, p.Leu795Arg (NM_001425329.1); c.2345T>G, p.Leu782Arg (NM_001425332.1); short protein forms L908R, L892R, L782R, L795R, L840R, L841R.
Identifiers: ClinVar variation 555605 (VCV000555605.9), dbSNP rs772347559, ClinGen allele CA966878.